The following is an entry in ClinVar:

ClinVar aggregate classification (germline): Uncertain significance. Review status: criteria provided, multiple submitters, no conflicts (2 of 4 stars). 2 submissions from 2 submitters: Uncertain significance (2). Last evaluated 2021-07-14.

Conditions:
Hereditary nonpolyposis colorectal neoplasms. Identifiers: MedGen C0009405, MeSH D003123.
Hereditary cancer-predisposing syndrome. Also called: Neoplastic Syndromes, Hereditary; Tumor predisposition; Hereditary neoplastic syndrome; Hereditary Cancer Syndrome. Identifiers: Orphanet 140162, MedGen C0027672, MeSH D009386, MONDO:0015356.

Submissions (2):

Labcorp Genetics (formerly Invitae), Labcorp
Classification: Uncertain significance for Hereditary nonpolyposis colorectal neoplasms. Last evaluated: 2021-07-14. Review status: criteria provided, single submitter. Criteria: Invitae Variant Classification Sherloc (09022015). Collection method: clinical testing. Allele origin: germline.
Comment: Algorithms developed to predict the effect of missense changes on protein structure and function are either unavailable or do not agree on the potential impact of this missense change (SIFT: "Tolerated"; PolyPhen-2: "Probably Damaging"; Align-GVGD: "Class C0"). In summary, the available evidence is currently insufficient to determine the role of this variant in disease. Therefore, it has been classified as a Variant of Uncertain Significance. This variant has not been reported in the literature in individuals with MSH6-related conditions. This sequence change replaces aspartic acid with asparagine at codon 197 of the MSH6 protein (p.Asp197Asn). The aspartic acid residue is weakly conserved and there is a small physicochemical difference between aspartic acid and asparagine. This variant is not present in population databases (ExAC no frequency).

Ambry Genetics
Classification: Uncertain significance for Hereditary cancer-predisposing syndrome. Last evaluated: 2019-05-23. Review status: criteria provided, single submitter. Criteria: Ambry Variant Classification Scheme 2023. Collection method: clinical testing. Allele origin: germline.
Comment: The p.D197N variant (also known as c.589G>A), located in coding exon 3 of the MSH6 gene, results from a G to A substitution at nucleotide position 589. The aspartic acid at codon 197 is replaced by asparagine, an amino acid with highly similar properties. This amino acid position is well conserved in available vertebrate species. In addition, this alteration is predicted to be tolerated by in silico analysis. In addition, the CoDP in silico tool predicts this alteration to have minor impact on molecular function, with a score of 0.000 (Terui H et al. J. Biomed. Sci. 2013 Apr;20:25). Since supporting evidence is limited at this time, the clinical significance of this alteration remains unclear.

NM_000179.3(MSH6):c.589G>A (p.Asp197Asn)

Gene: MSH6 (mutS homolog 6; plus strand). Cytogenetic location: 2p16.3.
Variant type: single nucleotide variant.
Coding change: c.589G>A on transcript NM_000179.3 (MANE Select); coding-DNA position 589, G replaced by A.
Protein change: p.Asp197Asn; replaces aspartic acid 197 with asparagine.
Molecular consequence: missense variant. On other transcripts: 5 prime UTR variant (1), intron variant (2).
Genome position (GRCh38, 1-based): chr2:47,796,025, G>A. VCF-style: chr2-47796025-G-A. GRCh37 (hg19) VCF-style: chr2-48023164-G-A.
Other names: c.-314G>A (NM_001281494.2); c.-279-2586G>A (NM_001281493.2); c.238-2586G>A (NM_001281492.2); short protein forms D197N.
Identifiers: ClinVar variation 826040 (VCV000826040.14), dbSNP rs148517241, ClinGen allele CA346738829.